The following is an entry in ClinVar:

ClinVar aggregate classification (germline): Uncertain significance. Review status: criteria provided, multiple submitters, no conflicts (2 of 4 stars). 2 submissions from 2 submitters: Uncertain significance (2). Last evaluated 2023-12-11.

Conditions:
Impaired intellectual development, anterior maxillary protrusion, and strabismus. Also called: Intellectual disability, anterior maxillary protrusion, and strabismus. Identifiers: Orphanet 562559, MedGen C3150924, MONDO:0013353, OMIM 613671.

Allele frequency attached by ClinVar (database versions not stated): gnomAD exomes 0.00012; gnomAD 0.00004 and 0.00003; TOPMed 0.00008; ExAC 0.00009.
gnomAD v4.1: 41 of 1,613,920 alleles (0.0025%); highest among the groups gnomAD compares: Admixed American, 0.063%; 1 homozygote.

Submissions (2):

Ambry Genetics
Classification: Uncertain significance. Last evaluated: 2023-12-11. Review status: criteria provided, single submitter. Criteria: Ambry Variant Classification Scheme 2023. Collection method: clinical testing. Allele origin: germline.

Baylor Genetics
Classification: Uncertain significance for Impaired intellectual development, anterior maxillary protrusion, and strabismus. Last evaluated: 2018-04-27. Review status: criteria provided, single submitter. Criteria: ACMG Guidelines, 2015. Collection method: clinical testing. Allele origin: maternal. Affected: yes.
Comment: This variant was determined to be of uncertain significance according to ACMG Guidelines, 2015 [PMID:25741868].

NM_018013.4(SOBP):c.415C>T (p.Pro139Ser)

Gene: SOBP (sine oculis binding protein homolog; plus strand). Cytogenetic location: 6q21.
Variant type: single nucleotide variant.
Coding change: c.415C>T on transcript NM_018013.4 (MANE Select); coding-DNA position 415, C replaced by T.
Protein change: p.Pro139Ser; replaces proline 139 with serine.
Molecular consequence: missense variant.
Genome position (GRCh38, 1-based): chr6:107,506,421, C>T. VCF-style: chr6-107506421-C-T. GRCh37 (hg19) VCF-style: chr6-107827625-C-T.
Other names: short protein forms P139S.
Identifiers: ClinVar variation 1032014 (VCV001032014.2), dbSNP rs761098848, ClinGen allele CA3946319.